The following is an entry in ClinVar:

NM_007098.4(CLTCL1):c.2432G>A (p.Arg811Gln)

Gene: CLTCL1 (clathrin heavy chain like 1; minus strand). Cytogenetic location: 22q11.21.
Variant type: single nucleotide variant.
Coding change: c.2432G>A on transcript NM_007098.4 (MANE Select); coding-DNA position 2432, G replaced by A.
Protein change: p.Arg811Gln; replaces arginine 811 with glutamine.
Molecular consequence: missense variant.
Genome position (GRCh38, 1-based): chr22:19,222,080, C>T on the plus strand (G>A on the coding strand, the complement: CLTCL1 is on the minus strand). VCF-style: chr22-19222080-C-T. GRCh37 (hg19) VCF-style: chr22-19209603-C-T.
Other names: p.Arg811Gln; c.2432G>A, p.Arg811Gln (NM_001835.4); short protein forms R811Q.
Identifiers: ClinVar variation 733010 (VCV000733010.5), dbSNP rs112636081, ClinGen allele CA10098372.
Genomic context (GRCh38, chr22:19,222,080, plus strand): 5'-TGTTTAATCACTTCCTCAGAACAATCCACATCAAGCAGCCCTCCAATCACAGCTGGGGTC[C>T]GGCTAGGGTTGACCTAGGGTAGTCAAGGTCAAGTAACTTCAGTGTTGCAAACACAAGTTA-3'
Protein context (NP_009029.3, residues 801-821): EIYVQKVNPS[Arg811Gln]TPAVIGGLLD

ClinVar aggregate classification (germline): Benign. Review status: criteria provided, multiple submitters, no conflicts (2 of 4 stars). 2 submissions from 2 submitters: Benign (2). Last evaluated 2025-07-17.

Allele frequency attached by ClinVar (database versions not stated): gnomAD exomes 0.00221 and 0.00414; 1000 Genomes Project 30x 0.00375; gnomAD 0.00274 and 0.00287; 1000 Genomes Project 0.00399; TOPMed 0.00084; ExAC 0.00370.
gnomAD v4.1: 3,625 of 1,613,904 alleles (0.22%); highest among the groups gnomAD compares: East Asian, 3.2%; 72 homozygotes.

Submissions (2):

Mayo Clinic Laboratories, Mayo Clinic
Classification: Benign. Last evaluated: 2025-07-17. Review status: criteria provided, single submitter. Criteria: ACMG Guidelines, 2015. Collection method: clinical testing. Allele origin: germline. Observed: 1 variant allele.
Comment: BS1, BS2, BP4

Labcorp Genetics (formerly Invitae), Labcorp
Classification: Benign. Last evaluated: 2019-12-31. Review status: criteria provided, single submitter. Criteria: Invitae Variant Classification Sherloc (09022015). Collection method: clinical testing. Allele origin: germline.